The following is an entry in ClinVar:

ClinVar aggregate classification (germline): Uncertain significance (1 of 4 stars; one submission).

Submission:

Labcorp Genetics (formerly Invitae), Labcorp
Classification: Uncertain significance. Last evaluated: 2023-05-28. Review status: criteria provided, single submitter. Criteria: Invitae Variant Classification Sherloc (09022015). Collection method: clinical testing. Allele origin: germline.
Comment: In summary, the available evidence is currently insufficient to determine the role of this variant in disease. Therefore, it has been classified as a Variant of Uncertain Significance. An algorithm developed to predict the effect of missense changes on protein structure and function (PolyPhen-2) suggests that this variant is likely to be disruptive. This variant has not been reported in the literature in individuals affected with ICOSLG-related conditions. This variant is not present in population databases (gnomAD no frequency). This sequence change replaces isoleucine, which is neutral and non-polar, with phenylalanine, which is neutral and non-polar, at codon 172 of the ICOSLG protein (p.Ile172Phe).

NM_015259.6(ICOSLG):c.514A>T (p.Ile172Phe)

Gene: ICOSLG (inducible T cell costimulator ligand; minus strand). Cytogenetic location: 21q22.3.
Variant type: single nucleotide variant.
Coding change: c.514A>T on transcript NM_015259.6 (MANE Select); coding-DNA position 514, A replaced by T.
Protein change: p.Ile172Phe; replaces isoleucine 172 with phenylalanine.
Molecular consequence: missense variant.
Genome position (GRCh38, 1-based): chr21:44,235,455, T>A on the plus strand (A>T on the coding strand, the complement: ICOSLG is on the minus strand). VCF-style: chr21-44235455-T-A. GRCh37 (hg19) VCF-style: chr21-45655338-T-A.
Other names: c.514A>T, p.Ile172Phe (NM_001283050.2, NM_001395918.1); c.163A>T, p.Ile55Phe (NM_001283051.2); c.259A>T, p.Ile87Phe (NM_001283052.2); c.433A>T, p.Ile145Phe (NM_001365759.2); short protein forms I145F, I172F, I87F, I55F.
Identifiers: ClinVar variation 3003724 (VCV003003724.3), dbSNP rs369601615, ClinGen allele CA410615034.